The following is an entry in ClinVar:

NM_144997.7(FLCN):c.1307C>T (p.Ala436Val)

Gene: FLCN (folliculin; minus strand). Cytogenetic location: 17p11.2.
Variant type: single nucleotide variant.
Coding change: c.1307C>T on transcript NM_144997.7 (MANE Select); coding-DNA position 1307, C replaced by T.
Protein change: p.Ala436Val; replaces alanine 436 with valine.
Molecular consequence: missense variant.
Genome position (GRCh38, 1-based): chr17:17,215,310, G>A on the plus strand (C>T on the coding strand, the complement: FLCN is on the minus strand). VCF-style: chr17-17215310-G-A. GRCh37 (hg19) VCF-style: chr17-17118624-G-A.
Other names: c.1361C>T, p.Ala454Val (NM_001353229.2); c.1307C>T, p.Ala436Val (NM_001353230.2, NM_001353231.2); short protein forms A436V, A454V.
Identifiers: ClinVar variation 4832124 (VCV004832124.1).

ClinVar aggregate classification (germline): Uncertain significance (1 of 4 stars; one submission).

Conditions:
Hereditary cancer-predisposing syndrome. Also called: Neoplastic Syndromes, Hereditary; Tumor predisposition; Hereditary Cancer Syndrome; Hereditary neoplastic syndrome. Identifiers: Orphanet 140162, MedGen C0027672, MeSH D009386, MONDO:0015356.

Submission:

Ambry Genetics
Classification: Uncertain significance for Hereditary cancer-predisposing syndrome. Last evaluated: 2026-01-13. Review status: criteria provided, single submitter. Criteria: Ambry Variant Classification Scheme 2023. Collection method: clinical testing. Allele origin: germline.
Comment: The p.A436V variant (also known as c.1307C>T), located in coding exon 9 of the FLCN gene, results from a C to T substitution at nucleotide position 1307. The alanine at codon 436 is replaced by valine, an amino acid with similar properties. This amino acid position is conserved. In addition, this alteration is predicted to be tolerated by in silico analysis. Based on the available evidence, the clinical significance of this variant remains unclear.